The following is an entry in ClinVar:

ClinVar aggregate classification (germline): Uncertain significance (1 of 4 stars; one submission).

Conditions:
Usher syndrome type 1 (USH1). Also called: RETINITIS PIGMENTOSA AND CONGENITAL DEAFNESS. Identifiers: Orphanet 231169, Orphanet 886, MedGen C1568247, MONDO:0010168, OMIM 276900.

Submission:

Myriad Genetics, Inc.
Classification: Uncertain significance for Usher syndrome type 1. Last evaluated: 2025-10-28. Review status: criteria provided, single submitter. Criteria: Myriad Autosomal Dominant, Autosomal Recessive and X-Linked Classification Criteria (2023). Collection method: clinical testing. Allele origin: unknown.
Comment: NM_000260.3(MYO7A):c.1798-13_1798-9del5ins3 is an intronic variant classified as a variant of uncertain significance in the context of MYO7A-related disorders. c.1798-13_1798-9del5ins3 has not been observed in cases with relevant disease. Relevant functional assessments of this variant are not available in the literature. c.1798-13_1798-9del5ins3 has not been observed in referenced population frequency databases. In summary, there is insufficient evidence to classify NM_000260.3(MYO7A):c.1798-13_1798-9del5ins3 as pathogenic or benign. Please note: this variant was assessed in the context of healthy population screening.

NM_000260.4(MYO7A):c.1798-13_1798-9delinsGCG

Gene: MYO7A (myosin VIIA; plus strand). Cytogenetic location: 11q13.5.
Variant type: Indel.
Coding change: c.1798-13_1798-9delinsGCG on transcript NM_000260.4 (MANE Select); 13 bases into the intron before coding-DNA position 1798 through 9 bases into the intron before coding-DNA position 1798, TCCGT replaced by GCG.
Molecular consequence: intron variant.
Genome position (GRCh38, 1-based): chr11:77,172,735-77,172,739, TCCGT replaced by GCG. VCF-style: chr11-77172735-TCCGT-GCG. GRCh37 (hg19) VCF-style: chr11-76883781-TCCGT-GCG.
Other names: c.1765-13_1765-9delinsGCG (NM_001369365.1); c.1798-13_1798-9delinsGCG (NM_001127180.2).
Identifiers: ClinVar variation 5004252 (VCV005004252.1).
Genomic context (GRCh38, chr11:77,172,735, plus strand): 5'-CCTACTGGGCGGCTCCTGGGACACTGGATGGGGCAGGCACAGCCCCTCCCATCGCTGCCG[TCCGT>GCG]CCCCCCAGGGCGCCGAGACCAGGAAGCGCTCGCCCACACTTAGCAGCCAGTTCAAGCGGT-3'